The following is an entry in ClinVar:

ClinVar aggregate classification (germline): Uncertain significance (1 of 4 stars; one submission).

Allele frequency attached by ClinVar (database versions not stated): ExAC 0.00001.
gnomAD v4.1: 1 of 1,614,160 alleles (0.000062%); highest among the groups gnomAD compares: South Asian, 0.0011%; no homozygotes.

Submission:

Ambry Genetics
Classification: Uncertain significance. Last evaluated: 2022-03-07. Review status: criteria provided, single submitter. Criteria: Ambry Variant Classification Scheme 2023. Collection method: clinical testing. Allele origin: germline.
Comment: The p.T1346S variant (also known as c.4037C>G), located in coding exon 17 of the NPAT gene, results from a C to G substitution at nucleotide position 4037. The threonine at codon 1346 is replaced by serine, an amino acid with similar properties. This amino acid position is conserved. In addition, this alteration is predicted to be tolerated by in silico analysis. Since supporting evidence is limited at this time, the clinical significance of this alteration remains unclear.

NM_002519.3(NPAT):c.4037C>G (p.Thr1346Ser)

Gene: NPAT (nuclear protein, coactivator of histone transcription; minus strand). Cytogenetic location: 11q22.3.
Variant type: single nucleotide variant.
Coding change: c.4037C>G on transcript NM_002519.3 (MANE Select); coding-DNA position 4037, C replaced by G.
Protein change: p.Thr1346Ser; replaces threonine 1346 with serine.
Molecular consequence: missense variant.
Genome position (GRCh38, 1-based): chr11:108,161,049, G>C on the plus strand (C>G on the coding strand, the complement: NPAT is on the minus strand). VCF-style: chr11-108161049-G-C. GRCh37 (hg19) VCF-style: chr11-108031776-G-C.
Other names: c.4058C>G, p.Thr1353Ser (NM_001321307.1); short protein forms T1346S, T1353S.
Identifiers: ClinVar variation 1737248 (VCV001737248.2), dbSNP rs756660117, ClinGen allele CA6263488.